The following is an entry in ClinVar:

NM_199420.4(POLQ):c.914C>G (p.Ser305Cys)

Gene: POLQ (DNA polymerase theta; minus strand). Cytogenetic location: 3q13.33.
Variant type: single nucleotide variant.
Coding change: c.914C>G on transcript NM_199420.4 (MANE Select); coding-DNA position 914, C replaced by G.
Protein change: p.Ser305Cys; replaces serine 305 with cysteine.
Molecular consequence: missense variant.
Genome position (GRCh38, 1-based): chr3:121,533,036, G>C on the plus strand (C>G on the coding strand, the complement: POLQ is on the minus strand). VCF-style: chr3-121533036-G-C. GRCh37 (hg19) VCF-style: chr3-121251883-G-C.
Other names: short protein forms S305C.
Identifiers: ClinVar variation 1765959 (VCV001765959.2), dbSNP rs1384566219, ClinGen allele CA354125959.

ClinVar aggregate classification (germline): Uncertain significance (1 of 4 stars; one submission).

Submission:

Ambry Genetics
Classification: Uncertain significance. Last evaluated: 2021-09-16. Review status: criteria provided, single submitter. Criteria: Ambry Variant Classification Scheme 2023. Collection method: clinical testing. Allele origin: germline.
Comment: The p.S305C variant (also known as c.914C>G), located in coding exon 6 of the POLQ gene, results from a C to G substitution at nucleotide position 914. The serine at codon 305 is replaced by cysteine, an amino acid with dissimilar properties. This amino acid position is conserved. In addition, this alteration is predicted to be tolerated by in silico analysis. Since supporting evidence is limited at this time, the clinical significance of this alteration remains unclear.